The following is an entry in ClinVar:

NM_021930.6(RINT1):c.1928C>T (p.Ser643Phe)

Genes: EFCAB10 (EF-hand calcium binding domain 10; minus strand), RINT1 (RAD50 interactor 1; plus strand). Cytogenetic location: 7q22.3.
Variant type: single nucleotide variant.
Coding change: c.1928C>T on transcript NM_021930.6 (MANE Select); coding-DNA position 1928, C replaced by T.
Protein change: p.Ser643Phe; replaces serine 643 with phenylalanine.
Molecular consequence: missense variant. On other transcripts: 3 prime UTR variant (3), non-coding transcript variant (1).
Genome position (GRCh38, 1-based): chr7:105,565,318, C>T. VCF-style: chr7-105565318-C-T. GRCh37 (hg19) VCF-style: chr7-105205765-C-T.
Other names: c.*129G>A (NM_001355526.2); c.*231G>A (NM_001355530.2); c.*84G>A (NM_001355531.2); c.1694C>T, p.Ser565Phe (NM_001346599.2); c.905C>T, p.Ser302Phe (NM_001346600.2, NM_001346603.2); c.1004C>T, p.Ser335Phe (NM_001346601.2); short protein forms S302F, S643F, S335F, S565F.
Identifiers: ClinVar variation 1782801 (VCV001782801.3), dbSNP rs1791660722, ClinGen allele CA368814722.

ClinVar aggregate classification (germline): Uncertain significance (1 of 4 stars; one submission).

Submission:

Ambry Genetics
Classification: Uncertain significance. Last evaluated: 2024-09-19. Review status: criteria provided, single submitter. Criteria: Ambry Variant Classification Scheme 2023. Collection method: clinical testing. Allele origin: germline.
Comment: The p.S643F variant (also known as c.1928C>T), located in coding exon 13 of the RINT1 gene, results from a C to T substitution at nucleotide position 1928. The serine at codon 643 is replaced by phenylalanine, an amino acid with highly dissimilar properties. This amino acid position is conserved. In addition, the in silico prediction for this alteration is inconclusive. Since supporting evidence is limited at this time, the clinical significance of this alteration remains unclear.